The following is an entry in ClinVar:

NM_004370.6(COL12A1):c.4148-14dup

Gene: COL12A1 (collagen type XII alpha 1 chain; minus strand). Cytogenetic location: 6q13.
Variant type: Duplication.
Coding change: c.4148-14dup on transcript NM_004370.6 (MANE Select); 14 bases into the intron before coding-DNA position 4148, one base duplicated (A; older notation c.4148-14dupA).
Molecular consequence: intron variant.
Genome position (GRCh38, 1-based): chr6:75,148,511, T duplicated on the plus strand (A on the coding strand, the reverse complement: COL12A1 is on the minus strand). VCF-style (leftmost placement, unchanged base first): chr6-75148510-A-AT. GRCh37 (hg19) VCF-style: chr6-75858226-A-AT.
Other names: c.656-14dup (NM_001424116.1, NM_080645.3); c.3875-14dup (NM_001424115.1); c.4148-14dup (NM_001424114.1, NM_001424113.1); c.4148-14dupA (NM_004370.6).
Identifiers: ClinVar variation 4536075 (VCV004536075.1).

ClinVar aggregate classification (germline): Likely benign (1 of 4 stars; one submission).

Submission:

Women's Health and Genetics/Laboratory Corporation of America, LabCorp
Classification: Likely benign. Last evaluated: 2025-09-22. Review status: criteria provided, single submitter. Criteria: LabCorp Variant Classification Summary - May 2015. Collection method: clinical testing. Allele origin: germline.
Comment: Variant summary: COL12A1 c.4148-14dupA alters a nucleotide located at a position not widely known to affect splicing. Consensus agreement among computation tools predict no significant impact on normal splicing. However, these predictions have yet to be confirmed by functional studies. The variant was absent in 31384 control chromosomes. The available data on variant occurrences in the general population are insufficient to allow any conclusion about variant significance. To our knowledge, no occurrence of c.4148-14dupA in individuals affected with COL12A1-related conditions and no experimental evidence demonstrating its impact on protein function have been reported. No submitters have cited clinical-significance assessments for this variant to ClinVar. Based on the evidence outlined above, the variant was classified as likely benign.